The following is an entry in ClinVar:

NM_000512.5(GALNS):c.210_221del (p.Asn71_Ser74del)

Gene: GALNS (galactosamine (N-acetyl)-6-sulfatase; minus strand). Cytogenetic location: 16q24.3.
Variant type: Deletion.
Coding change: c.210_221del on transcript NM_000512.5 (MANE Select); coding-DNA positions 210 to 221, 12 bases deleted (AAACTTCTATTC).
Protein change: p.Asn71_Ser74del.
Molecular consequence: inframe deletion. On other transcripts: intron variant (1).
Genome position (GRCh38, 1-based): chr16:88,842,729-88,842,740, GAATAGAAGTTT deleted on the plus strand (AAACTTCTATTC on the coding strand, the reverse complement: GALNS is on the minus strand); deleting any 12 consecutive bases within chr16:88,842,729-88,842,741 gives the same sequence; the c. name uses the placement nearest the transcript's 3' end. VCF-style (leftmost placement, unchanged base first): chr16-88842728-AGAATAGAAGTTT-A. GRCh37 (hg19) VCF-style: chr16-88909136-AGAATAGAAGTTT-A.
Other names: c.228_239del, p.Asn77_Ser80del (NM_001323544.2); c.-311-769_-311-758del (NM_001323543.2).
Identifiers: ClinVar variation 1048269 (VCV001048269.3), dbSNP rs2143005478, ClinGen allele CA915940897.

ClinVar aggregate classification (germline): Uncertain significance (1 of 4 stars; one submission).

Conditions:
Mucopolysaccharidosis, MPS-IV-A (MPS4A). Also called: Mucopolysaccharidosis type IV A; Mucopolysaccharidosis Type IVA; Morquio syndrome A, mild; MORQUIO SYNDROME A; MPS IVA; mucopolysaccharidosis type 4A. Identifiers: Orphanet 309297, Orphanet 582, MedGen C0086651, MONDO:0009659, OMIM 253000.

Submission:

Laboratory of Diagnosis and Therapy of Lysosomal Disorders, University of Padova
Classification: Uncertain significance for Mucopolysaccharidosis, MPS-IV-A. Last evaluated: 2021-02-01. Review status: criteria provided, single submitter. Criteria: ACMG Guidelines, 2015. Collection method: curation. Allele origin: germline. Affected: yes.
Comment: Absent from gnomAD v2.1.1 (PM2_moderate); protein length changes as a result of in-frame deletions in a nonrepeat region (PM4_moderate)

Literature cited by the submitters: PubMed 16287098; PubMed 34387910.